The following is an entry in ClinVar:

ClinVar aggregate classification (germline): Uncertain significance. Review status: criteria provided, multiple submitters, no conflicts (2 of 4 stars). 2 submissions from 2 submitters: Uncertain significance (2). Last evaluated 2022-08-02.

Allele frequency attached by ClinVar (database versions not stated): gnomAD 0.00001; gnomAD exomes 0.00001; TOPMed 0.00001.
gnomAD v4.1: 20 of 1,611,768 alleles (0.0012%); highest among the groups gnomAD compares: Non-Finnish European, 0.0015%; no homozygotes.

Submissions (2):

Labcorp Genetics (formerly Invitae), Labcorp
Classification: Uncertain significance. Last evaluated: 2022-08-02. Review status: criteria provided, single submitter. Criteria: Invitae Variant Classification Sherloc (09022015). Collection method: clinical testing. Allele origin: germline.
Comment: This sequence change replaces arginine, which is basic and polar, with tryptophan, which is neutral and slightly polar, at codon 551 of the EYS protein (p.Arg551Trp). This variant is present in population databases (rs767478184, gnomAD 0.002%). This variant has not been reported in the literature in individuals affected with EYS-related conditions. Algorithms developed to predict the effect of missense changes on protein structure and function output the following: SIFT: "Tolerated"; PolyPhen-2: "Benign"; Align-GVGD: "Class C0". The tryptophan amino acid residue is found in multiple mammalian species, which suggests that this missense change does not adversely affect protein function. In summary, the available evidence is currently insufficient to determine the role of this variant in disease. Therefore, it has been classified as a Variant of Uncertain Significance.

Blueprint Genetics
Classification: Uncertain significance. Last evaluated: 2018-08-23. Review status: criteria provided, single submitter. Criteria: ACMG Guidelines, 2015. Collection method: clinical testing. Allele origin: germline.

NM_001142800.2(EYS):c.1651C>T (p.Arg551Trp)

Gene: EYS (EGF-like photoreceptor maintenance factor; minus strand). Cytogenetic location: 6q12.
Variant type: single nucleotide variant.
Coding change: c.1651C>T on transcript NM_001142800.2 (MANE Select); coding-DNA position 1651, C replaced by T.
Protein change: p.Arg551Trp; replaces arginine 551 with tryptophan.
Molecular consequence: missense variant.
Genome position (GRCh38, 1-based): chr6:65,335,095, G>A on the plus strand (C>T on the coding strand, the complement: EYS is on the minus strand). VCF-style: chr6-65335095-G-A. GRCh37 (hg19) VCF-style: chr6-66044988-G-A.
Other names: c.1651C>T, p.Arg551Trp (NM_001142801.2, NM_001292009.2, NM_198283.2); short protein forms R551W.
Identifiers: ClinVar variation 2171880 (VCV002171880.2), dbSNP rs767478184, ClinGen allele CA3877657.